The following is an entry in ClinVar:

NM_001003800.2(BICD2):c.2440G>A (p.Ala814Thr)

Gene: BICD2 (BICD cargo adaptor 2; minus strand). Cytogenetic location: 9q22.31.
Variant type: single nucleotide variant.
Coding change: c.2440G>A on transcript NM_001003800.2 (MANE Select); coding-DNA position 2440, G replaced by A.
Protein change: p.Ala814Thr; replaces alanine 814 with threonine.
Molecular consequence: missense variant.
Genome position (GRCh38, 1-based): chr9:92,715,282, C>T on the plus strand (G>A on the coding strand, the complement: BICD2 is on the minus strand). VCF-style: chr9-92715282-C-T. GRCh37 (hg19) VCF-style: chr9-95477564-C-T.
Other names: c.2440G>A, p.Ala814Thr (NM_015250.4); short protein forms A814T.
Identifiers: ClinVar variation 3018389 (VCV003018389.3), dbSNP rs751158467, ClinGen allele CA196336436.

ClinVar aggregate classification (germline): Uncertain significance (1 of 4 stars; one submission).

Conditions:
Autosomal dominant childhood-onset proximal spinal muscular atrophy with contractures (SMALED2A). Also called: SPINAL MUSCULAR ATROPHY, LOWER EXTREMITY-PREDOMINANT, 2A, CHILDHOOD ONSET, AUTOSOMAL DOMINANT; Spinal muscular atrophy, lower extremity-predominant, 2A, autosomal dominant. Identifiers: Orphanet 363447, Orphanet 363454, MedGen C4747715, MONDO:0014121, OMIM 615290.

gnomAD v4.1: 7 of 1,612,576 alleles (0.00043%); highest among the groups gnomAD compares: Admixed American, 0.0033%; no homozygotes.

Submission:

Labcorp Genetics (formerly Invitae), Labcorp
Classification: Uncertain significance for Autosomal dominant childhood-onset proximal spinal muscular atrophy with contractures. Last evaluated: 2024-02-29. Review status: criteria provided, single submitter. Criteria: Invitae Variant Classification Sherloc (09022015). Collection method: clinical testing. Allele origin: germline.
Comment: This sequence change replaces alanine, which is neutral and non-polar, with threonine, which is neutral and polar, at codon 814 of the BICD2 protein (p.Ala814Thr). This variant is present in population databases (no rsID available, gnomAD 0.007%). This variant has not been reported in the literature in individuals affected with BICD2-related conditions. Advanced modeling of protein sequence and biophysical properties (such as structural, functional, and spatial information, amino acid conservation, physicochemical variation, residue mobility, and thermodynamic stability) performed at Invitae indicates that this missense variant is not expected to disrupt BICD2 protein function with a negative predictive value of 80%. In summary, the available evidence is currently insufficient to determine the role of this variant in disease. Therefore, it has been classified as a Variant of Uncertain Significance.